The following is an entry in ClinVar:

NM_001122630.2(CDKN1C):c.176C>A (p.Pro59Gln)

Gene: CDKN1C (cyclin dependent kinase inhibitor 1C; minus strand). Cytogenetic location: 11p15.4.
Variant type: single nucleotide variant.
Coding change: c.176C>A on transcript NM_001122630.2 (MANE Select); coding-DNA position 176, C replaced by A.
Protein change: p.Pro59Gln; replaces proline 59 with glutamine.
Molecular consequence: missense variant.
Genome position (GRCh38, 1-based): chr11:2,885,281, G>T on the plus strand (C>A on the coding strand, the complement: CDKN1C is on the minus strand). VCF-style: chr11-2885281-G-T. GRCh37 (hg19) VCF-style: chr11-2906511-G-T.
Other names: c.209C>A, p.Pro70Gln (NM_000076.2, NM_001362474.2); c.176C>A, p.Pro59Gln (NM_001122631.2, NM_001362475.2); short protein forms P59Q, P70Q.
Identifiers: ClinVar variation 3765648 (VCV003765648.1).

ClinVar aggregate classification (germline): Uncertain significance (1 of 4 stars; one submission).

Submission:

Greenwood Genetic Center Diagnostic Laboratories, Greenwood Genetic Center
Classification: Uncertain significance. Last evaluated: 2024-09-17. Review status: criteria provided, single submitter. Criteria: ACMG Guidelines, 2015. Collection method: clinical testing. Allele origin: germline. Affected: yes.
Comment: PM2, PM5_Supporting, PP3